The following is an entry in ClinVar:

NM_000988.5(RPL27):c.176AGA[2] (p.Lys61del)

Gene: RPL27 (ribosomal protein L27; plus strand). Cytogenetic location: 17q21.31.
Variant type: Microsatellite.
Coding change: c.176AGA[2] on transcript NM_000988.5 (MANE Select); two copies in a row of the 3-base unit AGA starting at c.176; the reference has three copies in a row; one copy, 3 bases deleted.
Protein change: p.Lys61del; deletes lysine 61.
Genome position (GRCh38, 1-based): chr17:43,000,033-43,000,035, AGA deleted; deleting any 3 consecutive bases within chr17:43,000,026-43,000,035 gives the same sequence; the position shown is the placement nearest the transcript's 3' end. VCF-style (leftmost placement, unchanged base first): chr17-43000025-CAAG-C. GRCh37 (hg19) VCF-style: chr17-41152042-CAAG-C.
Other names: c.176AGA[2], p.Lys61del (NM_001349921.2, NM_001349922.2); short protein forms K61del.
Identifiers: ClinVar variation 3715144 (VCV003715144.2).
Genomic context (GRCh38, chr17:43,000,025, plus strand): 5'-CAGCCATGCTCTGGTGGCTGGAATTGACCGCTACCCCCGCAAAGTGACAGCTGCCATGGG[CAAG>C]AAGAAGATCGCCAAGAGATCAAAGATAAAATCTTTTGTGAAAGTGTATAACTACAATCAC-3'

ClinVar aggregate classification (germline): Uncertain significance (1 of 4 stars; one submission).

Submission:

Labcorp Genetics (formerly Invitae), Labcorp
Classification: Uncertain significance. Last evaluated: 2024-03-03. Review status: criteria provided, single submitter. Criteria: Invitae Variant Classification Sherloc (09022015). Collection method: clinical testing. Allele origin: germline.
Comment: This variant, c.182_184del, results in the deletion of 1 amino acid(s) of the RPL27 protein (p.Lys61del), but otherwise preserves the integrity of the reading frame. This variant is not present in population databases (gnomAD no frequency). This variant has not been reported in the literature in individuals affected with RPL27-related conditions. Experimental studies and prediction algorithms are not available or were not evaluated, and the functional significance of this variant is currently unknown. In summary, the available evidence is currently insufficient to determine the role of this variant in disease. Therefore, it has been classified as a Variant of Uncertain Significance.